The following is an entry in ClinVar:

ClinVar aggregate classification (germline): Uncertain significance. Review status: criteria provided, multiple submitters, no conflicts (2 of 4 stars). 2 submissions from 2 submitters: Uncertain significance (2). Last evaluated 2021-11-03.

gnomAD v4.1: 4 of 1,575,720 alleles (0.00025%); highest among the groups gnomAD compares: Non-Finnish European, 0.00034%; no homozygotes.

Submissions (2):

Institute for Clinical Genetics, University Hospital TU Dresden, University Hospital TU Dresden
Classification: Uncertain significance. Last evaluated: 2021-11-03. Review status: criteria provided, single submitter. Criteria: ACMG Guidelines, 2015. Collection method: clinical testing. Allele origin: germline.

GeneDx
Classification: Uncertain significance. Last evaluated: 2019-12-20. Review status: criteria provided, single submitter. Criteria: GeneDx Variant Classification Process June 2021. Collection method: clinical testing. Allele origin: germline. Affected: yes.
Comment: Not observed in large population cohorts (Lek et al., 2016); In silico analysis, which includes protein predictors and evolutionary conservation, supports that this variant does not alter protein structure/function; Has not been previously published as pathogenic or benign to our knowledge

NM_000836.4(GRIN2D):c.860C>T (p.Ala287Val)

Gene: GRIN2D (glutamate ionotropic receptor NMDA type subunit 2D; plus strand). Cytogenetic location: 19q13.33.
Variant type: single nucleotide variant.
Coding change: c.860C>T on transcript NM_000836.4 (MANE Select); coding-DNA position 860, C replaced by T.
Protein change: p.Ala287Val; replaces alanine 287 with valine.
Molecular consequence: missense variant.
Genome position (GRCh38, 1-based): chr19:48,405,128, C>T. VCF-style: chr19-48405128-C-T. GRCh37 (hg19) VCF-style: chr19-48908385-C-T.
Other names: short protein forms A287V.
Identifiers: ClinVar variation 1311351 (VCV001311351.4), dbSNP rs2147441889, ClinGen allele CA406692608.